The following is an entry in ClinVar:

ClinVar aggregate classification (germline): Benign (0 of 4 stars; one submission).

Conditions:
ABCG1-related disorder. Also called: ABCG1-related condition.

Submission:

PreventionGenetics, part of Exact Sciences
Classification: Benign for ABCG1-related condition. Last evaluated: 2020-01-08. Review status: no assertion criteria provided. Collection method: clinical testing. Allele origin: germline.
Comment: This variant is classified as benign based on ACMG/AMP sequence variant interpretation guidelines (Richards et al. 2015 PMID: 25741868, with internal and published modifications).

NM_016818.3(ABCG1):c.-38GCC[15]

Gene: ABCG1 (ATP binding cassette subfamily G member 1; plus strand). Cytogenetic location: 21q22.3.
Variant type: Microsatellite.
Coding change: c.-38GCC[15] on transcript NM_016818.3 (MANE Select); 15 copies in a row of the 3-base unit GCC starting at c.-38; the reference has ten copies in a row; five copies, 15 bases duplicated.
Molecular consequence: 5 prime UTR variant. On other transcripts: intron variant (3).
Genome position (GRCh38, 1-based): chr21:42,219,240-42,219,254, GCCGCCGCCGCCGCC duplicated; duplicating any 15 consecutive bases within chr21:42,219,223-42,219,254 gives the same sequence; the position shown is the placement nearest the transcript's 3' end. VCF-style (leftmost placement, unchanged base first): chr21-42219222-C-CCCGCCGCCGCCGCCG. GRCh37 (hg19) VCF-style: chr21-43639332-C-CCCGCCGCCGCCGCCG.
Other names: c.-38GCC[15] (NM_004915.4); c.49-6448CCG[15] (NM_207627.2); c.-24-6448CCG[15] (NM_207628.1); c.33+3035CCG[15] (NM_207629.2).
Identifiers: ClinVar variation 3053330 (VCV003053330.2), dbSNP rs2234716, ClinGen allele CA637898494.
Genomic context (GRCh38, chr21:42,219,222, plus strand): 5'-CCCGCGCAGCGGCTGAGCCGGGAGCCAGCGCAGCCTCGGCCCCGCAGCTCAAGCCTCGTC[C>CCCGCCGCCGCCGCCG]CCGCCGCCGCCGCCGCCGCCGCCGCCGCCGCCCCCGGGGCATGGCCTGTCTGATGGCCGC-3'